The following is an entry in ClinVar:

NM_004036.5(ADCY3):c.755G>T (p.Arg252Leu)

Gene: ADCY3 (adenylate cyclase 3; minus strand). Cytogenetic location: 2p23.3.
Variant type: single nucleotide variant.
Coding change: c.755G>T on transcript NM_004036.5 (MANE Select); coding-DNA position 755, G replaced by T.
Protein change: p.Arg252Leu; replaces arginine 252 with leucine.
Molecular consequence: missense variant.
Genome position (GRCh38, 1-based): chr2:24,872,640, C>A on the plus strand (G>T on the coding strand, the complement: ADCY3 is on the minus strand). VCF-style: chr2-24872640-C-A. GRCh37 (hg19) VCF-style: chr2-25095509-C-A.
Other names: c.755G>T, p.Arg252Leu (NM_001320613.2, NM_001377128.1, NM_001377129.1 and 2 more transcripts); c.32G>T, p.Arg11Leu (NM_001377131.1); short protein forms R11L, R252L.
Identifiers: ClinVar variation 3348122 (VCV003348122.1).

ClinVar aggregate classification (germline): Uncertain significance (0 of 4 stars; one submission).

Conditions:
ADCY3-related disorder. Also called: ADCY3-related condition.

Submission:

PreventionGenetics, part of Exact Sciences
Classification: Uncertain significance for ADCY3-related condition. Last evaluated: 2023-11-08. Review status: no assertion criteria provided. Collection method: clinical testing. Allele origin: germline.
Comment: The ADCY3 c.755G>T variant is predicted to result in the amino acid substitution p.Arg252Leu. To our knowledge, this variant has not been reported in the literature or in a large population database, indicating this variant is rare. At this time, the clinical significance of this variant is uncertain due to the absence of conclusive functional and genetic evidence.